The following is an entry in ClinVar:

ClinVar aggregate classification (germline): Uncertain significance. Review status: criteria provided, multiple submitters, no conflicts (2 of 4 stars). 2 submissions from 2 submitters: Uncertain significance (2). Last evaluated 2025-04-23.

Conditions:
Cardiovascular phenotype. Identifiers: MedGen CN230736.

Submissions (2):

Labcorp Genetics (formerly Invitae), Labcorp
Classification: Uncertain significance. Last evaluated: 2025-04-23. Review status: criteria provided, single submitter. Criteria: Invitae Variant Classification Sherloc (09022015). Collection method: clinical testing. Allele origin: germline.
Comment: This sequence change replaces glycine, which is neutral and non-polar, with arginine, which is basic and polar, at codon 147 of the ALPK3 protein (p.Gly147Arg). This variant is not present in population databases (gnomAD no frequency). This variant has not been reported in the literature in individuals affected with ALPK3-related conditions. An algorithm developed to predict the effect of missense changes on protein structure and function (PolyPhen-2) suggests that this variant is likely to be disruptive. In summary, the available evidence is currently insufficient to determine the role of this variant in disease. Therefore, it has been classified as a Variant of Uncertain Significance.

Ambry Genetics
Classification: Uncertain significance for Cardiovascular phenotype. Last evaluated: 2025-02-01. Review status: criteria provided, single submitter. Criteria: Ambry Variant Classification Scheme 2023. Collection method: clinical testing. Allele origin: germline.
Comment: The p.G147R variant (also known as c.439G>A), located in coding exon 1 of the ALPK3 gene, results from a G to A substitution at nucleotide position 439. The glycine at codon 147 is replaced by arginine, an amino acid with dissimilar properties. This amino acid position is conserved. In addition, this alteration is predicted to be tolerated by in silico analysis. Based on the available evidence, the clinical significance of this variant remains unclear.

NC_000015.10:g.84817285G>A

Gene: ALPK3 (alpha kinase 3; plus strand). Cytogenetic location: 15q25.3.
Variant type: single nucleotide variant.
Genome position: GRCh38 VCF-style: chr15-84817285-G-A. GRCh37 (hg19) VCF-style: chr15-85360516-G-A.
Other names: short protein forms G147R.
Identifiers: ClinVar variation 3859416 (VCV003859416.1).